The following is an entry in ClinVar:

NC_000017.10:g.(?_3533479)_(3571820_?)dup

Genes: CTNS (cystinosin, lysosomal cystine transporter; plus strand), SHPK (sedoheptulokinase; minus strand), TAX1BP3 (Tax1 binding protein 3; minus strand). Cytogenetic location: 17p13.2.
Variant type: Duplication.
Identifiers: ClinVar variation 2425242 (VCV002425242.2).

ClinVar aggregate classification (germline): Uncertain significance. Review status: criteria provided, single submitter (1 of 4 stars). 2 submissions from 1 submitter: Uncertain significance (1). 1 of the submissions does not count toward it. Last evaluated 2022-08-21.

Conditions:
Inborn genetic diseases. Identifiers: MedGen C0950123, MeSH D030342.
Juvenile nephropathic cystinosis. Also called: Intermediate Cystinosis; CYSTINOSIS, LATE-ONSET JUVENILE OR ADOLESCENT NEPHROPATHIC TYPE; Later-Onset (Juvenile) Cystinosis. Identifiers: Orphanet 213, Orphanet 411634, MedGen C0268626, MONDO:0009066, OMIM 219900.
Ocular cystinosis. Also called: Non-Nephropathic Cystinosis; Non-Nephropathic (Ocular) Cystinosis. Identifiers: Orphanet 213, Orphanet 411641, MedGen C2931013, MONDO:0009064, OMIM 219750.

Submissions (2):

Labcorp Genetics (formerly Invitae), Labcorp
Classification: Uncertain significance. Last evaluated: 2022-08-21. Review status: criteria provided, single submitter. Criteria: Invitae Variant Classification Sherloc (09022015). Collection method: clinical testing. Allele origin: germline.
Comment: This variant results in a copy number gain of the genomic region encompassing exon(s) 1-2 of the SHPK gene. This region includes the initiator codon of the gene. This copy number gain extends beyond the assayed region for this gene and therefore may encompass additional genes. As the precise location of this event is unknown, it may be in tandem or it may be located elsewhere in the genome. This variant has not been reported in the literature in individuals affected with SHPK-related conditions. Experimental studies and prediction algorithms are not available or were not evaluated, and the functional significance of this variant is currently unknown. In summary, the available evidence is currently insufficient to determine the role of this variant in disease. Therefore, it has been classified as a Variant of Uncertain Significance.

Labcorp Genetics (formerly Invitae), Labcorp
Classification: Uncertain significance for Inborn genetic diseases; Ocular cystinosis; Juvenile nephropathic cystinosis. Last evaluated: 2022-08-21. Review status: flagged submission. Criteria: Invitae Variant Classification Sherloc (09022015). Collection method: clinical testing. Allele origin: germline. Not counted in ClinVar's aggregate classification.
Comment: A copy number gain of the genomic region encompassing the full coding sequence of the CTNS gene has been identified. The boundaries of this event are unknown as they extend beyond the assayed region for this gene and therefore may encompass additional genes. As the precise location of this event is unknown, it may be in tandem or it may be located elsewhere in the genome. This variant has not been reported in the literature in individuals affected with CTNS-related conditions. In summary, the available evidence is currently insufficient to determine the role of this variant in disease. Therefore, it has been classified as a Variant of Uncertain Significance.
ClinVar note: Reason: This record appears to be redundant with a more recent record from the same submitter.
ClinVar note: Notes: SCV003793888 appears to be redundant with SCV003792851.